The following is an entry in ClinVar:

NM_001378120.1(MBD5):c.4520T>C (p.Met1507Thr)

Gene: MBD5 (methyl-CpG binding domain protein 5; plus strand). Cytogenetic location: 2q23.1.
Variant type: single nucleotide variant.
Coding change: c.4520T>C on transcript NM_001378120.1 (MANE Select); coding-DNA position 4520, T replaced by C.
Protein change: p.Met1507Thr; replaces methionine 1507 with threonine.
Molecular consequence: missense variant.
Genome position (GRCh38, 1-based): chr2:148,490,152, T>C. VCF-style: chr2-148490152-T-C. GRCh37 (hg19) VCF-style: chr2-149247721-T-C.
Other names: c.3821T>C, p.Met1274Thr (NM_018328.5); short protein forms M1274T, M1507T.
Identifiers: ClinVar variation 2859770 (VCV002859770.3), dbSNP rs2470027394, ClinGen allele CA348729443.

ClinVar aggregate classification (germline): Uncertain significance (1 of 4 stars; one submission).

Conditions:
Intellectual developmental disorder, autosomal dominant 1. Also called: MBD5 Haploinsufficiency; Intellectual disability, autosomal dominant 1. Identifiers: Orphanet 228402, MedGen C1969562, MONDO:0007974, OMIM 156200.

Submission:

Labcorp Genetics (formerly Invitae), Labcorp
Classification: Uncertain significance for Intellectual developmental disorder, autosomal dominant 1. Last evaluated: 2023-04-27. Review status: criteria provided, single submitter. Criteria: Invitae Variant Classification Sherloc (09022015). Collection method: clinical testing. Allele origin: germline.
Comment: In summary, the available evidence is currently insufficient to determine the role of this variant in disease. Therefore, it has been classified as a Variant of Uncertain Significance. Experimental studies and prediction algorithms are not available or were not evaluated, and the functional significance of this variant is currently unknown. This variant has not been reported in the literature in individuals affected with MBD5-related conditions. This variant is not present in population databases (gnomAD no frequency). This sequence change replaces methionine, which is neutral and non-polar, with threonine, which is neutral and polar, at codon 1274 of the MBD5 protein (p.Met1274Thr).